The following is an entry in ClinVar:

NM_000245.4(MET):c.2667T>G (p.Ser889=)

Gene: MET (MET proto-oncogene, receptor tyrosine kinase; plus strand). Cytogenetic location: 7q31.2.
Variant type: single nucleotide variant.
Coding change: c.2667T>G on transcript NM_000245.4 (MANE Select); coding-DNA position 2667, T replaced by G.
Protein change: p.Ser889=; no amino-acid change (serine 889 retained).
Molecular consequence: synonymous variant.
Genome position (GRCh38, 1-based): chr7:116,769,728, T>G. VCF-style: chr7-116769728-T-G. GRCh37 (hg19) VCF-style: chr7-116409782-T-G.
Other names: c.2721T>G, p.Ser907= (NM_001127500.3); c.2667T>G, p.Ser889= (NM_001324401.3); c.1377T>G, p.Ser459= (NM_001324402.2).
Identifiers: ClinVar variation 1089782 (VCV001089782.13), dbSNP rs1794770224, ClinGen allele CA457441744.
Genomic context (GRCh38, chr7:116,769,728, plus strand): 5'-AGTTAAAGGTGAAGTGTTAAAAGTTGGAAATAAGAGCTGTGAGAATATACACTTACATTC[T>G]GAAGCCGTTTTATGCACGGTCCCCAATGACCTGCTGAAATTGAACAGCGAGCTAAATATA-3'
Protein context (NP_000236.2, residues 879-899): NKSCENIHLH[Ser889=]EAVLCTVPND

ClinVar aggregate classification (germline): Benign/Likely benign. Review status: criteria provided, multiple submitters, no conflicts (2 of 4 stars). 4 submissions from 4 submitters: Benign (1); Likely benign (3). Last evaluated 2025-03-24.

Conditions:
Renal cell carcinoma. Identifiers: Orphanet 217071, MedGen C0007134, MeSH D002292, MONDO:0005086, HP:0005584.
Papillary renal cell carcinoma type 1 (RCCP1). Also called: RENAL CELL CARCINOMA, PAPILLARY, 1, SOMATIC; Renal adenocarcinoma; Renal cell carcinoma 1; Renal cell carcinoma, somatic. Identifiers: Orphanet 47044, MedGen C1336839, OMIM 605074, HP:0011797.
Hereditary cancer-predisposing syndrome. Also called: Hereditary Cancer Syndrome; Neoplastic Syndromes, Hereditary; Hereditary neoplastic syndrome; Tumor predisposition. Identifiers: Orphanet 140162, MedGen C0027672, MeSH D009386, MONDO:0015356.

Allele frequency attached by ClinVar (database versions not stated): gnomAD 0.00001.
gnomAD v4.1: 1 of 1,613,756 alleles (0.000062%); highest among the groups gnomAD compares: Admixed American, 0.0017%; no homozygotes.

Submissions (4):

Labcorp Genetics (formerly Invitae), Labcorp
Classification: Likely benign for Renal cell carcinoma. Last evaluated: 2025-03-24. Review status: criteria provided, single submitter. Criteria: Invitae Variant Classification Sherloc (09022015). Collection method: clinical testing. Allele origin: germline.

Myriad Genetics, Inc.
Classification: Benign for Papillary renal cell carcinoma type 1. Last evaluated: 2024-11-12. Review status: criteria provided, single submitter. Criteria: Myriad Autosomal Dominant, Autosomal Recessive and X-Linked Classification Criteria (2023). Collection method: clinical testing. Allele origin: unknown.
Comment: This variant is considered benign. This variant is a silent/synonymous amino acid change and it is not expected to impact splicing.

Sema4
Classification: Likely benign for Hereditary cancer-predisposing syndrome. Last evaluated: 2022-01-13. Review status: criteria provided, single submitter. Criteria: Sema4 Curation Guidelines. Collection method: curation. Allele origin: germline.

Ambry Genetics
Classification: Likely benign for Hereditary cancer-predisposing syndrome. Last evaluated: 2020-08-15. Review status: criteria provided, single submitter. Criteria: Ambry Variant Classification Scheme 2023. Collection method: clinical testing. Allele origin: germline.